The following is an entry in ClinVar:

ClinVar aggregate classification (germline): Uncertain significance. Review status: criteria provided, multiple submitters, no conflicts (2 of 4 stars). 2 submissions from 2 submitters: Uncertain significance (2). Last evaluated 2023-12-09.

Conditions:
Peroxisome biogenesis disorder 2B (PBD2B). Identifiers: Orphanet 44, MedGen C3550234, MONDO:0008736, OMIM 202370.
Inborn genetic diseases. Identifiers: MedGen C0950123, MeSH D030342.

Allele frequency attached by ClinVar (database versions not stated): gnomAD exomes below 0.00001; gnomAD 0.00003 and 0.00004; TOPMed 0.00015.

Submissions (2):

Ambry Genetics
Classification: Uncertain significance for Inborn genetic diseases. Last evaluated: 2023-12-09. Review status: criteria provided, single submitter. Criteria: Ambry Variant Classification Scheme 2023. Collection method: clinical testing. Allele origin: germline.

Labcorp Genetics (formerly Invitae), Labcorp
Classification: Uncertain significance for Peroxisome biogenesis disorder 2B. Last evaluated: 2022-10-17. Review status: criteria provided, single submitter. Criteria: Invitae Variant Classification Sherloc (09022015). Collection method: clinical testing. Allele origin: germline.
Comment: This sequence change replaces tryptophan, which is neutral and slightly polar, with arginine, which is basic and polar, at codon 184 of the PEX5 protein (p.Trp184Arg). This variant is not present in population databases (gnomAD no frequency). This variant has not been reported in the literature in individuals affected with PEX5-related conditions. ClinVar contains an entry for this variant (Variation ID: 943627). Algorithms developed to predict the effect of missense changes on protein structure and function are either unavailable or do not agree on the potential impact of this missense change (SIFT: "Deleterious"; PolyPhen-2: "Possibly Damaging"; Align-GVGD: "Class C0"). In summary, the available evidence is currently insufficient to determine the role of this variant in disease. Therefore, it has been classified as a Variant of Uncertain Significance.

NM_001351132.2(PEX5):c.550T>C (p.Trp184Arg)

Gene: PEX5 (peroxisomal biogenesis factor 5; plus strand). Cytogenetic location: 12p13.31.
Variant type: single nucleotide variant.
Coding change: c.550T>C on transcript NM_001351132.2 (MANE Select); coding-DNA position 550, T replaced by C.
Protein change: p.Trp184Arg; replaces tryptophan 184 with arginine.
Molecular consequence: missense variant.
Genome position (GRCh38, 1-based): chr12:7,199,112, T>C. VCF-style: chr12-7199112-T-C. GRCh37 (hg19) VCF-style: chr12-7351708-T-C.
Other names: c.550T>C, p.Trp184Arg (NM_000319.5, NM_001131024.2, NM_001131025.2 and 19 more transcripts); c.595T>C, p.Trp199Arg (NM_001131023.2, NM_001351135.3, NM_001351138.2); short protein forms W184R, W199R.
Identifiers: ClinVar variation 943627 (VCV000943627.5), dbSNP rs998840500, ClinGen allele CA232468505.
Genomic context (GRCh38, chr12:7,199,112, plus strand): 5'-TTGGAGCAATCAGAGGAGAAGCTGTGGCTGGGAGAACCTGAGGGAACAGCCACCGATCGC[T>C]GGTGAGTTCAGATACCTCTTTCCGAATCCCGTGAAAGGAGTATGGACAGTTTTCCCAGCC-3'
Protein context (NP_001338061.1, residues 174-194): GEPEGTATDR[Trp184Arg]YDEYHPEEDL